The following is an entry in ClinVar:

NM_001370259.2(MEN1):c.1823A>G (p.Lys608Arg)

Gene: MEN1 (menin 1; minus strand). Cytogenetic location: 11q13.1.
Variant type: single nucleotide variant.
Coding change: c.1823A>G on transcript NM_001370259.2 (MANE Select); coding-DNA position 1823, A replaced by G.
Protein change: p.Lys608Arg; replaces lysine 608 with arginine.
Molecular consequence: missense variant. On other transcripts: non-coding transcript variant (4).
Genome position (GRCh38, 1-based): chr11:64,804,344, T>C on the plus strand (A>G on the coding strand, the complement: MEN1 is on the minus strand). VCF-style: chr11-64804344-T-C. GRCh37 (hg19) VCF-style: chr11-64571816-T-C.
Other names: c.1838A>G, p.Lys613Arg (NM_000244.4, NM_130800.3, NM_130801.3 and 4 more transcripts); c.1949A>G, p.Lys650Arg (NM_001370251.2, NM_001407142.1, NM_001407143.1 and 1 more transcripts); c.1823A>G, p.Lys608Arg (NM_001370260.2, NM_001370261.2, NM_130799.3 and 2 more transcripts); c.1718A>G, p.Lys573Arg (NM_001370262.2, NM_001370263.2, NM_001407148.1 and 1 more transcripts); c.1964A>G, p.Lys655Arg (NM_001407150.1); c.1844A>G, p.Lys615Arg (NM_001407151.1); c.1658A>G, p.Lys553Arg (NM_001407152.1); short protein forms K650R, K655R, K553R, K615R, K573R, K608R, K613R.
Identifiers: ClinVar variation 3294210 (VCV003294210.1).
Genomic context (GRCh38, chr11:64,804,344, plus strand): 5'-ACTAAGGGCGGAGCCTGGGTCCCCACAAGCGGTCCGAAGTCCCCAGTAGTTCAGAGGCCT[T>C]TGCGCTGCCGCTTGAGGAAAGACAGAGTGTAGTCACTAGGGGTGGACACTTTCTGCTTCT-3'
Protein context (NP_001357188.2, residues 598-610): YTLSFLKRQR[Lys608Arg]GL

ClinVar aggregate classification (germline): Uncertain significance (1 of 4 stars; one submission).

Conditions:
Hereditary cancer-predisposing syndrome. Also called: Tumor predisposition; Hereditary Cancer Syndrome; Hereditary neoplastic syndrome; Neoplastic Syndromes, Hereditary. Identifiers: Orphanet 140162, MedGen C0027672, MeSH D009386, MONDO:0015356.

Submission:

Ambry Genetics
Classification: Uncertain significance for Hereditary cancer-predisposing syndrome. Last evaluated: 2024-04-16. Review status: criteria provided, single submitter. Criteria: Ambry Variant Classification Scheme 2023. Collection method: clinical testing. Allele origin: germline.
Comment: The p.K608R variant (also known as c.1823A>G), located in coding exon 9 of the MEN1 gene, results from an A to G substitution at nucleotide position 1823. The lysine at codon 608 is replaced by arginine, an amino acid with highly similar properties. This amino acid position is conserved. In addition, the in silico prediction for this alteration is inconclusive. Based on the available evidence, the clinical significance of this variant remains unclear.